The following is an entry in ClinVar:

ClinVar aggregate classification (germline): Uncertain significance (1 of 4 stars; one submission).

Conditions:
Epidermolysis bullosa simplex 3, localized or generalized intermediate, with BP230 deficiency (EBS3). Also called: Epidermolysis bullosa simplex, autosomal recessive 2; Epidermolysis bullosa simplex due to BP230 deficiency. Identifiers: Orphanet 412181, MedGen C3809470, MONDO:0014180, OMIM 615425.
Hereditary sensory and autonomic neuropathy type 6. Also called: Neuropathy, hereditary sensory and autonomic, type VI; HSAN VI. Identifiers: Orphanet 314381, MedGen C3539003, MONDO:0013839, OMIM 614653.

gnomAD v4.1: 6 of 1,613,306 alleles (0.00037%); highest among the groups gnomAD compares: Non-Finnish European, 0.00042%; no homozygotes.

Submission:

Labcorp Genetics (formerly Invitae), Labcorp
Classification: Uncertain significance for Epidermolysis bullosa simplex 3, localized or generalized intermediate, with BP230 deficiency; Hereditary sensory and autonomic neuropathy type 6. Last evaluated: 2023-10-13. Review status: criteria provided, single submitter. Criteria: Invitae Variant Classification Sherloc (09022015). Collection method: clinical testing. Allele origin: germline.
Comment: The DST gene has multiple clinically relevant transcripts. This variant occurs in alternate transcript NM_015548.4, and corresponds to NM_001723.5:c.*152394C>G in the primary transcript. This sequence change replaces proline, which is neutral and non-polar, with alanine, which is neutral and non-polar, at codon 5018 of the DST protein (p.Pro5018Ala). This variant is present in population databases (rs756227570, gnomAD 0.0009%). This variant has not been reported in the literature in individuals affected with DST-related conditions. Experimental studies and prediction algorithms are not available or were not evaluated, and the functional significance of this variant is currently unknown. In summary, the available evidence is currently insufficient to determine the role of this variant in disease. Therefore, it has been classified as a Variant of Uncertain Significance.

NM_001374736.1(DST):c.22993C>G (p.Pro7665Ala)

Gene: DST (dystonin; minus strand). Cytogenetic location: 6p12.1.
Variant type: single nucleotide variant.
Coding change: c.22993C>G on transcript NM_001374736.1 (MANE Select); coding-DNA position 22993, C replaced by G.
Protein change: p.Pro7665Ala; replaces proline 7665 with alanine.
Molecular consequence: missense variant. On other transcripts: intron variant (2).
Genome position (GRCh38, 1-based): chr6:56,463,123, G>C on the plus strand (C>G on the coding strand, the complement: DST is on the minus strand). VCF-style: chr6-56463123-G-C. GRCh37 (hg19) VCF-style: chr6-56327921-G-C.
Other names: c.16564C>G, p.Pro5522Ala (NM_001144769.5); c.16150C>G, p.Pro5384Ala (NM_001144770.2); c.22921C>G, p.Pro7641Ala (NM_001374722.1); c.22948C>G, p.Pro7650Ala (NM_001374734.1); c.16012C>G, p.Pro5338Ala (NM_001386100.1); c.15052C>G, p.Pro5018Ala (NM_015548.5); c.16030C>G, p.Pro5344Ala (NM_183380.4); c.15741+442C>G (NM_001374730.1); and 1 more; short protein forms P5338A, P5384A, P5522A, P5344A, P7641A, P5018A, P7650A, P7665A.
Identifiers: ClinVar variation 1491462 (VCV001491462.4), dbSNP rs756227570, ClinGen allele CA3866071.